The following is an entry in ClinVar:

NM_020361.5(CPA6):c.192+5_192+15del

Gene: CPA6 (carboxypeptidase A6; minus strand). Cytogenetic location: 8q13.2.
Variant type: Deletion.
Coding change: c.192+5_192+15del on transcript NM_020361.5 (MANE Select); bases 5 to 15 of the intron after coding-DNA position 192, 11 bases deleted (TAGAACATCTA).
Molecular consequence: intron variant.
Genome position (GRCh38, 1-based): chr8:67,624,161-67,624,171, TAGATGTTCTA deleted on the plus strand (TAGAACATCTA on the coding strand, the reverse complement: CPA6 is on the minus strand); deleting any 11 consecutive bases within chr8:67,624,161-67,624,172 gives the same sequence; the c. name uses the placement nearest the transcript's 3' end. VCF-style (leftmost placement, unchanged base first): chr8-67624160-GTAGATGTTCTA-G. GRCh37 (hg19) VCF-style: chr8-68536395-GTAGATGTTCTA-G.
Identifiers: ClinVar variation 835529 (VCV000835529.7), dbSNP rs1429763120, ClinGen allele CA371261971.

ClinVar aggregate classification (germline): Uncertain significance (1 of 4 stars; one submission).

Conditions:
Febrile seizures, familial, 11 (FEB11). Also called: CONVULSIONS, FAMILIAL FEBRILE, 11. Identifiers: MedGen C3280734, MONDO:0024566, OMIM 614418.

Submission:

Labcorp Genetics (formerly Invitae), Labcorp
Classification: Uncertain significance for Febrile seizures, familial, 11. Last evaluated: 2025-05-12. Review status: criteria provided, single submitter. Criteria: Invitae Variant Classification Sherloc (09022015). Collection method: clinical testing. Allele origin: germline.
Comment: This sequence change falls in intron 2 of the CPA6 gene. It does not directly change the encoded amino acid sequence of the CPA6 protein. It affects a nucleotide within the consensus splice site. This variant is not present in population databases (gnomAD no frequency). This variant has not been reported in the literature in individuals affected with CPA6-related conditions. ClinVar contains an entry for this variant (Variation ID: 835529). Variants that disrupt the consensus splice site are a relatively common cause of aberrant splicing (PMID: 17576681, 9536098). Algorithms developed to predict the effect of sequence changes on RNA splicing suggest that this variant is not likely to affect RNA splicing. In summary, the available evidence is currently insufficient to determine the role of this variant in disease. Therefore, it has been classified as a Variant of Uncertain Significance.

Literature cited by the submitters: PubMed 17576681; PubMed 9536098.